The following is an entry in ClinVar:

NM_014712.3(SETD1A):c.190C>G (p.Arg64Gly)

Gene: SETD1A (SET domain containing 1A, histone lysine methyltransferase; plus strand). Cytogenetic location: 16p11.2.
Variant type: single nucleotide variant.
Coding change: c.190C>G on transcript NM_014712.3 (MANE Select); coding-DNA position 190, C replaced by G.
Protein change: p.Arg64Gly; replaces arginine 64 with glycine.
Molecular consequence: missense variant.
Genome position (GRCh38, 1-based): chr16:30,959,130, C>G. VCF-style: chr16-30959130-C-G. GRCh37 (hg19) VCF-style: chr16-30970451-C-G.
Other names: short protein forms R64G.
Identifiers: ClinVar variation 3906677 (VCV003906677.1).

ClinVar aggregate classification (germline): Uncertain significance (1 of 4 stars; one submission).

Submission:

GeneDx
Classification: Uncertain significance. Last evaluated: 2024-12-17. Review status: criteria provided, single submitter. Criteria: GeneDx Variant Classification Process June 2021. Collection method: clinical testing. Allele origin: germline. Affected: yes.
Comment: Not observed at significant frequency in large population cohorts (gnomAD); In silico analysis supports that this missense variant has a deleterious effect on protein structure/function; Has not been previously published as pathogenic or benign to our knowledge